The following is an entry in ClinVar:

NM_004525.3(LRP2):c.5813C>T (p.Thr1938Ile)

Gene: LRP2 (LDL receptor related protein 2; minus strand). Cytogenetic location: 2q31.1.
Variant type: single nucleotide variant.
Coding change: c.5813C>T on transcript NM_004525.3 (MANE Select); coding-DNA position 5813, C replaced by T.
Protein change: p.Thr1938Ile; replaces threonine 1938 with isoleucine.
Molecular consequence: missense variant.
Genome position (GRCh38, 1-based): chr2:169,216,266, G>A on the plus strand (C>T on the coding strand, the complement: LRP2 is on the minus strand). VCF-style: chr2-169216266-G-A. GRCh37 (hg19) VCF-style: chr2-170072776-G-A.
Other names: short protein forms T1938I.
Identifiers: ClinVar variation 1472543 (VCV001472543.4), dbSNP rs768756085, ClinGen allele CA1954438.

ClinVar aggregate classification (germline): Uncertain significance. Review status: criteria provided, multiple submitters, no conflicts (2 of 4 stars). 2 submissions from 2 submitters: Uncertain significance (2). Last evaluated 2022-08-10.

Conditions:
Donnai-Barrow syndrome. Also called: DBS/FOAR SYNDROME; FACIOOCULOACOUSTICORENAL SYNDROME. Identifiers: Orphanet 2143, MedGen C1857277, MONDO:0009104, OMIM 222448.

Allele frequency attached by ClinVar (database versions not stated): gnomAD 0.00001 and 0.00002; gnomAD exomes 0.00003 and 0.00007; TOPMed 0.00003; ExAC 0.00007.
gnomAD v4.1: 21 of 1,613,358 alleles (0.0013%); highest among the groups gnomAD compares: Admixed American, 0.035%; no homozygotes.

Submissions (2):

Labcorp Genetics (formerly Invitae), Labcorp
Classification: Uncertain significance. Last evaluated: 2022-08-10. Review status: criteria provided, single submitter. Criteria: Invitae Variant Classification Sherloc (09022015). Collection method: clinical testing. Allele origin: germline.
Comment: This sequence change replaces threonine, which is neutral and polar, with isoleucine, which is neutral and non-polar, at codon 1938 of the LRP2 protein (p.Thr1938Ile). This variant is present in population databases (rs768756085, gnomAD 0.05%). This variant has not been reported in the literature in individuals affected with LRP2-related conditions. ClinVar contains an entry for this variant (Variation ID: 1472543). Algorithms developed to predict the effect of missense changes on protein structure and function are either unavailable or do not agree on the potential impact of this missense change (SIFT: "Deleterious"; PolyPhen-2: "Benign"; Align-GVGD: "Class C0"). In summary, the available evidence is currently insufficient to determine the role of this variant in disease. Therefore, it has been classified as a Variant of Uncertain Significance.

Fulgent Genetics
Classification: Uncertain significance for Donnai-Barrow syndrome. Last evaluated: 2021-11-03. Review status: criteria provided, single submitter. Criteria: ACMG Guidelines, 2015. Collection method: clinical testing. Allele origin: unknown.